The following is an entry in ClinVar:

ClinVar aggregate classification (germline): Uncertain significance. Review status: criteria provided, single submitter (1 of 4 stars). 2 submissions from 2 submitters: Uncertain significance (1). 1 of the submissions does not count toward it. Last evaluated 2020-11-11.

Conditions:
Retinal dystrophy. Also called: Inherited retinal dystrophy. Identifiers: Orphanet 71862, MedGen C0854723, MeSH D058499, MONDO:0019118, HP:0000556.

Allele frequency attached by ClinVar (database versions not stated): gnomAD exomes below 0.00001.
gnomAD v4.1: 1 of 1,613,326 alleles (0.000062%); highest among the groups gnomAD compares: Non-Finnish European, 0.000085%; no homozygotes.

Submissions (2):

GeneDx
Classification: Uncertain significance. Last evaluated: 2020-11-11. Review status: criteria provided, single submitter. Criteria: GeneDx Variant Classification Process June 2021. Collection method: clinical testing. Allele origin: germline. Affected: yes.
Comment: Not observed in large population cohorts (Lek et al., 2016); In silico analysis supports that this missense variant has a deleterious effect on protein structure/function; Has not been previously published as pathogenic or benign to our knowledge

Institute of Human Genetics, Univ. Regensburg, Univ. Regensburg
Classification: Uncertain significance for Retinal dystrophy. Last evaluated: 2023-01-01. Review status: no assertion criteria provided. Criteria: ACMG Guidelines, 2015. Collection method: clinical testing. Allele origin: germline. Affected: yes. Not counted in ClinVar's aggregate classification.

NM_153240.5(NPHP3):c.3627A>C (p.Lys1209Asn)

Genes: NPHP3 (nephrocystin 3; minus strand), NPHP3-ACAD11 (NPHP3-ACAD11 readthrough (NMD candidate); minus strand). Cytogenetic location: 3q22.1.
Variant type: single nucleotide variant.
Coding change: c.3627A>C on transcript NM_153240.5 (MANE Select); coding-DNA position 3627, A replaced by C.
Protein change: p.Lys1209Asn; replaces lysine 1209 with asparagine.
Molecular consequence: missense variant. On other transcripts: non-coding transcript variant (1).
Genome position (GRCh38, 1-based): chr3:132,683,468, T>G on the plus strand (A>C on the coding strand, the complement: NPHP3 is on the minus strand). VCF-style: chr3-132683468-T-G. GRCh37 (hg19) VCF-style: chr3-132402312-T-G.
Other names: short protein forms K1209N.
Identifiers: ClinVar variation 1313645 (VCV001313645.3), dbSNP rs1163759024, ClinGen allele CA354578585.